The following is an entry in ClinVar:

ClinVar aggregate classification (germline): Conflicting classifications of pathogenicity. Review status: criteria provided, conflicting classifications (1 of 4 stars). 4 submissions from 4 submitters: Uncertain significance (2); Likely benign (1). 1 of the submissions does not count toward it. Last evaluated 2024-01-29.

Conditions:
Nemaline myopathy 2 (NEM2). Also called: Nemaline myopathy 2, autosomal recessive. Identifiers: MedGen C1850569, MONDO:0009725, OMIM 256030.

Allele frequency attached by ClinVar (database versions not stated): TOPMed 0.00001; gnomAD exomes 0.00002 and 0.00001; gnomAD 0.00001 and 0.00002; ExAC 0.00002.
gnomAD v4.1: 18 of 1,613,860 alleles (0.0011%); highest among the groups gnomAD compares: East Asian, 0.0045%; no homozygotes.

Submissions (4):

Labcorp Genetics (formerly Invitae), Labcorp
Classification: Likely benign for Nemaline myopathy 2. Last evaluated: 2024-01-29. Review status: criteria provided, single submitter. Criteria: Invitae Variant Classification Sherloc (09022015). Collection method: clinical testing. Allele origin: germline.

Institute of Human Genetics, University of Leipzig Medical Center
Classification: Uncertain significance for Nemaline myopathy 2. Last evaluated: 2019-01-01. Review status: criteria provided, single submitter. Criteria: ACMG Guidelines, 2015. Collection method: clinical testing. Allele origin: unknown. Affected: yes.
Comment: This variant was identified as compound heterozygous.

GeneDx
Classification: Uncertain significance. Last evaluated: 2017-06-29. Review status: criteria provided, single submitter. Criteria: GeneDx Variant Classification (06012015). Collection method: clinical testing. Allele origin: germline. Affected: yes.
Comment: A variant of uncertain significance has been identified in the NEB gene. The R6515C variant has not been published as a pathogenic variant, nor has it been reported as a benign variant to our knowledge. The R6515C variant is not observed at a significant frequency in large population cohorts (Lek et al., 2016; 1000 Genomes Consortium et al., 2015; Exome Variant Server). The R6515C variant is a non-conservative amino acid substitution, which is likely to impact secondary protein structure as these residues differ in polarity, charge, size and/or other properties. This substitution occurs at a position that is conserved across species, and in silico analysis predicts this variant is probably damaging to the protein structure/function. However, missense variants in nearby residues have not been reported in the Human Gene Mutation Database in association with nemaline myopathy (Stenson et al., 2014). Therefore, based on the currently available information, it is unclear whether this variant is a pathogenic variant or a rare benign variant.

Natera, Inc.
Classification: Uncertain significance for Nemaline myopathy type 2. Last evaluated: 2019-11-11. Review status: no assertion criteria provided. Collection method: clinical testing. Allele origin: germline. Not counted in ClinVar's aggregate classification.

NM_001164508.2(NEB):c.19543C>T (p.Arg6515Cys)

Genes: NEB (nebulin; minus strand), LOC126806373 (BRD4-independent group 4 enhancer GRCh37_chr2:152410007-152411206; plus strand). Cytogenetic location: 2q23.3.
Variant type: single nucleotide variant.
Coding change: c.19543C>T on transcript NM_001164508.2 (MANE Select); coding-DNA position 19543, C replaced by T.
Protein change: p.Arg6515Cys; replaces arginine 6515 with cysteine.
Molecular consequence: missense variant.
Genome position (GRCh38, 1-based): chr2:151,553,911, G>A on the plus strand (C>T on the coding strand, the complement: NEB is on the minus strand). VCF-style: chr2-151553911-G-A. GRCh37 (hg19) VCF-style: chr2-152410425-G-A.
Other names: c.19543C>T, p.Arg6515Cys (NM_001164507.2, NM_001271208.2); c.14440C>T, p.Arg4814Cys (NM_004543.5); short protein forms R6515C, R4814C.
Identifiers: ClinVar variation 450107 (VCV000450107.14), dbSNP rs765363585, ClinGen allele CA1907616.
Genomic context (GRCh38, chr2:151,553,911, plus strand): 5'-TCCTGACGTGATCATTGACTTGCAAGTCGGGGTGGCAAATCCATTCGTGGAGGCGCAGGC[G>A]GTAATCAATCTCACTGACTTTCTTCTGGGAATCCTTGGCAGTAACCATCTCTACCATGTC-3'
Protein context (NP_001157980.2, residues 6505-6525): SQKKVSEIDY[Arg6515Cys]LRLHEWICHP